The following is an entry in ClinVar:

ClinVar aggregate classification (germline): Uncertain significance (1 of 4 stars; one submission).

Conditions:
Autosomal dominant hypocalcemia 1 (HYPOC1). Also called: HYPOCALCEMIA, FAMILIAL. Identifiers: MedGen C3715128, MONDO:0011013, OMIM 601198.
Familial hypocalciuric hypercalcemia (FHH). Also called: Familial benign hypercalcemia. Identifiers: Orphanet 405, MedGen C1809471, MONDO:0018458.

Allele frequency attached by ClinVar (database versions not stated): gnomAD exomes 0.00001.
gnomAD v4.1: 7 of 1,613,900 alleles (0.00043%); highest among the groups gnomAD compares: Non-Finnish European, 0.00059%; no homozygotes.

Submission:

Labcorp Genetics (formerly Invitae), Labcorp
Classification: Uncertain significance for Familial hypocalciuric hypercalcemia; Autosomal dominant hypocalcemia 1. Last evaluated: 2022-10-24. Review status: criteria provided, single submitter. Criteria: Invitae Variant Classification Sherloc (09022015). Collection method: clinical testing. Allele origin: germline.
Comment: This variant has not been reported in the literature in individuals affected with CASR-related conditions. In summary, the available evidence is currently insufficient to determine the role of this variant in disease. Therefore, it has been classified as a Variant of Uncertain Significance. Algorithms developed to predict the effect of missense changes on protein structure and function (SIFT, PolyPhen-2, Align-GVGD) all suggest that this variant is likely to be disruptive. ClinVar contains an entry for this variant (Variation ID: 844746). This variant is not present in population databases (gnomAD no frequency). This sequence change replaces asparagine, which is neutral and polar, with serine, which is neutral and polar, at codon 639 of the CASR protein (p.Asn639Ser).

NM_000388.4(CASR):c.1916A>G (p.Asn639Ser)

Gene: CASR (calcium sensing receptor; plus strand). Cytogenetic location: 3q21.1.
Variant type: single nucleotide variant.
Coding change: c.1916A>G on transcript NM_000388.4 (MANE Select); coding-DNA position 1916, A replaced by G.
Protein change: p.Asn639Ser; replaces asparagine 639 with serine.
Molecular consequence: missense variant.
Genome position (GRCh38, 1-based): chr3:122,283,870, A>G. VCF-style: chr3-122283870-A-G. GRCh37 (hg19) VCF-style: chr3-122002717-A-G.
Other names: c.1946A>G, p.Asn649Ser (NM_001178065.2); short protein forms N639S, N649S.
Identifiers: ClinVar variation 844746 (VCV000844746.10), dbSNP rs1559968444, ClinGen allele CA354157969.
Genomic context (GRCh38, chr3:122,283,870, plus strand): 5'-TTGCCGTGCTGGGCATTTTCCTGACAGCCTTTGTGCTGGGTGTGTTTATCAAGTTCCGCA[A>G]CACACCCATTGTCAAGGCCACCAACCGAGAGCTCTCCTACCTCCTCCTCTTCTCCCTGCT-3'
Protein context (NP_000379.3, residues 629-649): FVLGVFIKFR[Asn639Ser]TPIVKATNRE